The following is an entry in ClinVar:

ClinVar aggregate classification (germline): Uncertain significance. Review status: criteria provided, multiple submitters, no conflicts (2 of 4 stars). 2 submissions from 2 submitters: Uncertain significance (2). Last evaluated 2023-05-15.

Conditions:
Inborn genetic diseases. Identifiers: MedGen C0950123, MeSH D030342.
Hereditary spastic paraplegia 64. Also called: ENTPD1-Related Neurodevelopmental Disorder; Spastic paraplegia 64, autosomal recessive. Identifiers: Orphanet 401810, MedGen C3810289, MONDO:0014303, OMIM 615683.

Allele frequency attached by ClinVar (database versions not stated): gnomAD exomes below 0.00001; ExAC 0.00002; ESP Exome Variant Server 0.00008.
gnomAD v4.1: 5 of 1,614,176 alleles (0.00031%); highest among the groups gnomAD compares: Non-Finnish European, 0.00042%; no homozygotes.

Submissions (2):

Ambry Genetics
Classification: Uncertain significance for Inborn genetic diseases. Last evaluated: 2023-05-15. Review status: criteria provided, single submitter. Criteria: Ambry Variant Classification Scheme 2023. Collection method: clinical testing. Allele origin: germline.

Labcorp Genetics (formerly Invitae), Labcorp
Classification: Uncertain significance for Hereditary spastic paraplegia 64. Last evaluated: 2019-03-21. Review status: criteria provided, single submitter. Criteria: Invitae Variant Classification Sherloc (09022015). Collection method: clinical testing. Allele origin: germline.
Comment: Algorithms developed to predict the effect of missense changes on protein structure and function (SIFT, PolyPhen-2, Align-GVGD) all suggest that this variant is likely to be tolerated, but these predictions have not been confirmed by published functional studies and their clinical significance is uncertain. This variant has not been reported in the literature in individuals with ENTPD1-related conditions. This variant is present in population databases (rs372290136, ExAC 0.003%). This sequence change replaces valine with isoleucine at codon 224 of the ENTPD1 protein (p.Val224Ile). The valine residue is highly conserved and there is a small physicochemical difference between valine and isoleucine. In summary, the available evidence is currently insufficient to determine the role of this variant in disease. Therefore, it has been classified as a Variant of Uncertain Significance.

NM_001776.6(ENTPD1):c.670G>A (p.Val224Ile)

Genes: ENTPD1 (ectonucleoside triphosphate diphosphohydrolase 1; plus strand), ENTPD1-AS1 (ENTPD1 antisense RNA 1; minus strand). Cytogenetic location: 10q24.1.
Variant type: single nucleotide variant.
Coding change: c.670G>A on transcript NM_001776.6 (MANE Select); coding-DNA position 670, G replaced by A.
Protein change: p.Val224Ile; replaces valine 224 with isoleucine.
Molecular consequence: missense variant.
Genome position (GRCh38, 1-based): chr10:95,845,453, G>A. VCF-style: chr10-95845453-G-A. GRCh37 (hg19) VCF-style: chr10-97605210-G-A.
Other names: c.691G>A, p.Val231Ile (NM_001098175.2); c.706G>A, p.Val236Ile (NM_001164178.1, NM_001320916.1); c.670G>A, p.Val224Ile (NM_001164179.2); c.346G>A, p.Val116Ile (NM_001164181.1, NM_001312654.1); c.256G>A, p.Val86Ile (NM_001164182.2, NM_001164183.2); short protein forms V231I, V236I, V86I, V116I, V224I.
Identifiers: ClinVar variation 848263 (VCV000848263.11), dbSNP rs372290136, ClinGen allele CA5621448.